The following is an entry in ClinVar:

ClinVar aggregate classification (germline): Likely benign (0 of 4 stars; one submission).

Conditions:
ATG16L1-related disorder. Also called: ATG16L1-related condition.

Allele frequency attached by ClinVar (database versions not stated): TOPMed 0.00004; gnomAD 0.00010; ExAC 0.00030; 1000 Genomes Project 30x 0.00047; 1000 Genomes Project 0.00060.
gnomAD v4.1: 226 of 1,614,196 alleles (0.014%); highest among the groups gnomAD compares: South Asian, 0.21%; 3 homozygotes.

Submission:

PreventionGenetics, part of Exact Sciences
Classification: Likely benign for ATG16L1-related condition. Last evaluated: 2019-06-17. Review status: no assertion criteria provided. Collection method: clinical testing. Allele origin: germline.
Comment: This variant is classified as likely benign based on ACMG/AMP sequence variant interpretation guidelines (Richards et al. 2015 PMID: 25741868, with internal and published modifications).

NM_030803.7(ATG16L1):c.552G>A (p.Thr184=)

Gene: ATG16L1 (autophagy related 16 like 1; plus strand). Cytogenetic location: 2q37.1.
Variant type: single nucleotide variant.
Coding change: c.552G>A on transcript NM_030803.7 (MANE Select); coding-DNA position 552, G replaced by A.
Protein change: p.Thr184=; no amino-acid change (threonine 184 retained).
Molecular consequence: synonymous variant. On other transcripts: intron variant (1).
Genome position (GRCh38, 1-based): chr2:233,265,054, G>A. VCF-style: chr2-233265054-G-A. GRCh37 (hg19) VCF-style: chr2-234173700-G-A.
Other names: c.300G>A, p.Thr100= (NM_001190266.2); c.204G>A, p.Thr68= (NM_001190267.2); c.552G>A, p.Thr184= (NM_001363742.2, NM_017974.4); c.210-4948G>A (NM_198890.3).
Identifiers: ClinVar variation 3033942 (VCV003033942.2), dbSNP rs574239804, ClinGen allele CA2173534.
Genomic context (GRCh38, chr2:233,265,054, plus strand): 5'-TGAATATGATGCCCTGCAGATCACTTTTACTGCCTTGGAGGGAAAACTGAGGAAAACTAC[G>A]GAAGAGAACCAGGAGCTGGTCACCAGATGGATGGCTGAGAAAGCCCAGGAAGCCAATCGG-3'
Protein context (NP_110430.5, residues 174-194): TALEGKLRKT[Thr184=]EENQELVTRW